The following is an entry in ClinVar:

NM_012208.4(HARS2):c.1105G>C (p.Gly369Arg)

Gene: HARS2 (histidyl-tRNA synthetase 2, mitochondrial; plus strand). Cytogenetic location: 5q31.3.
Variant type: single nucleotide variant.
Coding change: c.1105G>C on transcript NM_012208.4 (MANE Select); coding-DNA position 1105, G replaced by C.
Protein change: p.Gly369Arg; replaces glycine 369 with arginine.
Molecular consequence: missense variant.
Genome position (GRCh38, 1-based): chr5:140,697,314, G>C. VCF-style: chr5-140697314-G-C. GRCh37 (hg19) VCF-style: chr5-140076899-G-C.
Other names: p.G369R:GGC>CGC; c.1030G>C, p.Gly344Arg (NM_001278731.2); c.673G>C, p.Gly225Arg (NM_001278732.2); c.1123G>C, p.Gly375Arg (NM_001363535.2); c.895G>C, p.Gly299Arg (NM_001363536.2); short protein forms G369R, G225R, G299R, G375R, G344R.
Identifiers: ClinVar variation 214547 (VCV000214547.34), dbSNP rs61736946, ClinGen allele CA320300.

ClinVar aggregate classification (germline): Benign/Likely benign. Review status: criteria provided, multiple submitters, no conflicts (2 of 4 stars). 9 submissions from 9 submitters: Benign (2); Likely benign (6). 1 of the submissions does not count toward it. Last evaluated 2025-10-19.

Conditions:
HARS2-related disorder. Also called: HARS2-related condition.
Perrault syndrome 2 (PRLTS2). Identifiers: Orphanet 2855, Orphanet 642976, MedGen C3554105, MONDO:0013972, OMIM 614926.

Allele frequency attached by ClinVar (database versions not stated): gnomAD exomes 0.00067; ExAC 0.00083; 1000 Genomes Project 0.00120; 1000 Genomes Project 30x 0.00219; gnomAD 0.00259 and 0.00293; TOPMed 0.00309; ESP Exome Variant Server 0.00315.
gnomAD v4.1: 830 of 1,614,126 alleles (0.051%); highest among the groups gnomAD compares: African/African-American, 0.99%; 7 homozygotes.

Submissions (9):

Labcorp Genetics (formerly Invitae), Labcorp
Classification: Likely benign. Last evaluated: 2025-10-19. Review status: criteria provided, single submitter. Criteria: Invitae Variant Classification Sherloc (09022015). Collection method: clinical testing. Allele origin: germline.

CeGaT Center for Human Genetics Tuebingen
Classification: Likely benign. Last evaluated: 2025-05-01. Review status: criteria provided, single submitter. Criteria: CeGaT Center For Human Genetics Tuebingen Variant Classification Criteria Version 2. Collection method: clinical testing. Allele origin: germline. Affected: yes. Observed: 1 variant allele.
Comment: HARS2: BS2

Blueprint Genetics
Classification: Likely benign. Last evaluated: 2023-06-20. Review status: criteria provided, single submitter. Criteria: ACMG Guidelines, 2015. Collection method: clinical testing. Allele origin: germline.

Fulgent Genetics
Classification: Likely benign for Perrault syndrome 2. Last evaluated: 2021-08-01. Review status: criteria provided, single submitter. Criteria: ACMG Guidelines, 2015. Collection method: clinical testing. Allele origin: unknown.

GeneDx
Classification: Likely benign. Last evaluated: 2020-07-14. Review status: criteria provided, single submitter. Criteria: GeneDx Variant Classification Process June 2021. Collection method: clinical testing. Allele origin: germline. Affected: yes.

Eurofins Ntd Llc (ga)
Classification: Benign. Last evaluated: 2016-10-14. Review status: criteria provided, single submitter. Criteria: EGL Classification Definitions 2015. Collection method: clinical testing. Allele origin: germline. Observed: 1 variant allele, 1 heterozygote.

Laboratory for Molecular Medicine, Mass General Brigham Personalized Medicine
Classification: Benign. Last evaluated: 2014-11-24. Review status: criteria provided, single submitter. Criteria: LMM Criteria. Collection method: clinical testing. Allele origin: germline. Observed: 2 variant alleles.
Comment: Gly369Arg in exon 10 of HARS2: This variant is not expected to have clinical sig nificance because it has been identified in 0.9% (41/4406) of African American c hromosomes from a broad population by the NHLBI Exome Sequencing Project (dbSNP rs61736946).

Breakthrough Genomics
Classification: Likely benign. Review status: criteria provided, single submitter. Criteria: ACMG Guidelines, 2015. Collection method: not provided. Allele origin: germline. Inheritance: Autosomal recessive inheritance. Affected: yes.

PreventionGenetics, part of Exact Sciences
Classification: Benign for HARS2-related condition. Last evaluated: 2020-01-20. Review status: no assertion criteria provided. Collection method: clinical testing. Allele origin: germline. Not counted in ClinVar's aggregate classification.
Comment: This variant is classified as benign based on ACMG/AMP sequence variant interpretation guidelines (Richards et al. 2015 PMID: 25741868, with internal and published modifications).